The following is an entry in ClinVar:

ClinVar aggregate classification (germline): Uncertain significance (1 of 4 stars; one submission).

Allele frequency attached by ClinVar (database versions not stated): gnomAD exomes below 0.00001; TOPMed below 0.00001; ExAC 0.00001; gnomAD 0.00001.
gnomAD v4.1: 2 of 1,611,788 alleles (0.00012%); highest among the groups gnomAD compares: Non-Finnish European, 0.00017%; no homozygotes.

Submission:

Labcorp Genetics (formerly Invitae), Labcorp
Classification: Uncertain significance. Last evaluated: 2024-09-26. Review status: criteria provided, single submitter. Criteria: Invitae Variant Classification Sherloc (09022015). Collection method: clinical testing. Allele origin: germline.
Comment: This sequence change replaces leucine, which is neutral and non-polar, with phenylalanine, which is neutral and non-polar, at codon 1072 of the CHD8 protein (p.Leu1072Phe). The frequency data for this variant in the population databases is considered unreliable, as metrics indicate poor data quality at this position in the gnomAD database. This variant has not been reported in the literature in individuals affected with CHD8-related conditions. ClinVar contains an entry for this variant (Variation ID: 1972023). Invitae Evidence Modeling of protein sequence and biophysical properties (such as structural, functional, and spatial information, amino acid conservation, physicochemical variation, residue mobility, and thermodynamic stability) indicates that this missense variant is expected to disrupt CHD8 protein function with a positive predictive value of 80%. In summary, the available evidence is currently insufficient to determine the role of this variant in disease. Therefore, it has been classified as a Variant of Uncertain Significance.

NM_001170629.2(CHD8):c.3214C>T (p.Leu1072Phe)

Gene: CHD8 (chromodomain helicase DNA binding protein 8; minus strand). Cytogenetic location: 14q11.2.
Variant type: single nucleotide variant.
Coding change: c.3214C>T on transcript NM_001170629.2 (MANE Select); coding-DNA position 3214, C replaced by T.
Protein change: p.Leu1072Phe; replaces leucine 1072 with phenylalanine.
Molecular consequence: missense variant.
Genome position (GRCh38, 1-based): chr14:21,405,302, G>A on the plus strand (C>T on the coding strand, the complement: CHD8 is on the minus strand). VCF-style: chr14-21405302-G-A. GRCh37 (hg19) VCF-style: chr14-21873461-G-A.
Other names: c.2377C>T, p.Leu793Phe (NM_020920.4); short protein forms L1072F, L793F.
Identifiers: ClinVar variation 1972023 (VCV001972023.5), dbSNP rs758506127, ClinGen allele CA7091447.